The following is an entry in ClinVar:

ClinVar aggregate classification (germline): Benign. Review status: criteria provided, multiple submitters, no conflicts (2 of 4 stars). 8 submissions from 7 submitters: Benign (8). Last evaluated 2026-05-09.

Conditions:
Type 2 collagenopathy. Identifiers: Orphanet 93421, MedGen C2931073, MONDO:0022800.
Stickler syndrome type 1 (STL1). Also called: STICKLER SYNDROME, MEMBRANOUS VITREOUS TYPE; STICKLER SYNDROME, VITREOUS TYPE 1; ARTHROOPHTHALMOPATHY, HEREDITARY PROGRESSIVE; COL2A1-Related Stickler Syndrome. Identifiers: Orphanet 828, Orphanet 90653, MedGen C2020284, MONDO:0007160, OMIM 108300.

Allele frequency attached by ClinVar (database versions not stated): gnomAD exomes 0.01133; ExAC 0.01450; gnomAD 0.04365 and 0.04673; TOPMed 0.04945; ESP Exome Variant Server 0.05045; 1000 Genomes Project 0.05272; 1000 Genomes Project 30x 0.05621.
gnomAD v4.1: 13,190 of 1,613,882 alleles (0.82%); highest among the groups gnomAD compares: African/African-American, 15%; 932 homozygotes.

Submissions (8):

Women's Health and Genetics/Laboratory Corporation of America, LabCorp
Classification: Benign. Last evaluated: 2026-05-09. Review status: criteria provided, single submitter. Criteria: LabCorp Variant Classification Summary - May 2015. Collection method: clinical testing. Allele origin: germline.

Labcorp Genetics (formerly Invitae), Labcorp
Classification: Benign. Last evaluated: 2026-02-04. Review status: criteria provided, single submitter. Criteria: Invitae Variant Classification Sherloc (09022015). Collection method: clinical testing. Allele origin: germline.

Blueprint Genetics
Classification: Benign. Last evaluated: 2024-11-27. Review status: criteria provided, single submitter. Criteria: ACMG Guidelines, 2015. Collection method: clinical testing. Allele origin: germline.

Illumina Laboratory Services, Illumina
Classification: Benign for Stickler syndrome type 1. Last evaluated: 2018-01-13. Review status: criteria provided, single submitter. Criteria: ICSL Variant Classification Criteria 13 December 2019. Collection method: clinical testing. Allele origin: germline.
Comment: This variant was observed in the ICSL laboratory as part of a predisposition screen in an ostensibly healthy population. It had not been previously curated by ICSL or reported in the Human Gene Mutation Database (HGMD: prior to June 1st, 2018), and was therefore a candidate for classification through an automated scoring system. Utilizing variant allele frequency, disease prevalence and penetrance estimates, and inheritance mode, an automated score was calculated to assess if this variant is too frequent to cause the disease. Based on the score and internal cut-off values, a variant classified as benign is not then subjected to further curation. The score for this variant resulted in a classification of benign for this disease.

Illumina Laboratory Services, Illumina
Classification: Benign for Type II Collagenopathies. Last evaluated: 2018-01-13. Review status: criteria provided, single submitter. Criteria: ICSL Variant Classification Criteria 13 December 2019. Collection method: clinical testing. Allele origin: germline.
Comment: the same text as in the submission from Illumina Laboratory Services, Illumina above.

GeneDx
Classification: Benign. Last evaluated: 2016-06-07. Review status: criteria provided, single submitter. Criteria: GeneDx Variant Classification (06012015). Collection method: clinical testing. Allele origin: germline. Affected: yes.
Comment: This variant is considered likely benign or benign based on one or more of the following criteria: it is a conservative change, it occurs at a poorly conserved position in the protein, it is predicted to be benign by multiple in silico algorithms, and/or has population frequency not consistent with disease.

Breakthrough Genomics
Classification: Benign. Review status: criteria provided, single submitter. Criteria: ACMG Guidelines, 2015. Collection method: not provided. Allele origin: germline. Inheritance: Autosomal dominant inheritance. Affected: yes.

PreventionGenetics, part of Exact Sciences
Classification: Benign. Review status: criteria provided, single submitter. Criteria: ACMG Guidelines, 2015. Collection method: clinical testing. Allele origin: germline.

NM_001844.5(COL2A1):c.2094+12G>C

Gene: COL2A1 (collagen type II alpha 1 chain; minus strand). Cytogenetic location: 12q13.11.
Variant type: single nucleotide variant.
Coding change: c.2094+12G>C on transcript NM_001844.5 (MANE Select); 12 bases into the intron after coding-DNA position 2094, G replaced by C.
Molecular consequence: intron variant.
Genome position (GRCh38, 1-based): chr12:47,983,081, C>G on the plus strand (G>C on the coding strand, the complement: COL2A1 is on the minus strand). VCF-style: chr12-47983081-C-G. GRCh37 (hg19) VCF-style: chr12-48376864-C-G.
Other names: c.1887+12G>C (NM_033150.3).
Identifiers: ClinVar variation 258222 (VCV000258222.17), dbSNP rs17122510, ClinGen allele CA6535243.